The following is an entry in ClinVar:

NM_001164508.2(NEB):c.24764C>T (p.Ser8255Leu)

Genes: NEB (nebulin; minus strand), RIF1 (replication timing regulatory factor 1; plus strand). Cytogenetic location: 2q23.3.
Variant type: single nucleotide variant.
Coding change: c.24764C>T on transcript NM_001164508.2 (MANE Select); coding-DNA position 24764, C replaced by T.
Protein change: p.Ser8255Leu; replaces serine 8255 with leucine.
Molecular consequence: missense variant.
Genome position (GRCh38, 1-based): chr2:151,493,354, G>A on the plus strand (C>T on the coding strand, the complement: NEB is on the minus strand). VCF-style: chr2-151493354-G-A. GRCh37 (hg19) VCF-style: chr2-152349868-G-A.
Other names: c.24764C>T, p.Ser8255Leu (NM_001164507.2); c.24869C>T, p.Ser8290Leu (NM_001271208.2); c.19196C>T, p.Ser6399Leu (NM_004543.5); short protein forms S6399L, S8255L, S8290L.
Identifiers: ClinVar variation 2154299 (VCV002154299.4), dbSNP rs1447428083, ClinGen allele CA348774559.
Genomic context (GRCh38, chr2:151,493,354, plus strand): 5'-GATGTTAAAATGTTATTTTCCAAGTTGTTGCACTATTTCTTTTTAGTCCTAGAAAATACC[G>A]AGCTAATGTTTTCTTGGTTGCGCTTAGCTCTCTCCATCTCTGGAGTAACAGGTGTCGGAG-3'
Protein context (NP_001157980.2, residues 8245-8265): RAKRNQENIS[Ser8255Leu]VLYSDSFRKQ

ClinVar aggregate classification (germline): Uncertain significance (1 of 4 stars; one submission).

Conditions:
Nemaline myopathy 2 (NEM2). Also called: Nemaline myopathy 2, autosomal recessive. Identifiers: MedGen C1850569, MONDO:0009725, OMIM 256030.

Allele frequency attached by ClinVar (database versions not stated): gnomAD 0.00001.
gnomAD v4.1: 4 of 1,606,090 alleles (0.00025%); highest among the groups gnomAD compares: African/African-American, 0.0013%; no homozygotes.

Submission:

Labcorp Genetics (formerly Invitae), Labcorp
Classification: Uncertain significance for Nemaline myopathy 2. Last evaluated: 2022-04-30. Review status: criteria provided, single submitter. Criteria: Invitae Variant Classification Sherloc (09022015). Collection method: clinical testing. Allele origin: germline.
Comment: In summary, the available evidence is currently insufficient to determine the role of this variant in disease. Therefore, it has been classified as a Variant of Uncertain Significance. Algorithms developed to predict the effect of sequence changes on RNA splicing suggest that this variant may disrupt the consensus splice site. Algorithms developed to predict the effect of missense changes on protein structure and function are either unavailable or do not agree on the potential impact of this missense change (SIFT: "Deleterious"; PolyPhen-2: "Not Available"; Align-GVGD: "Class C0"). This variant has not been reported in the literature in individuals affected with NEB-related conditions. The frequency data for this variant in the population databases is considered unreliable, as metrics indicate poor data quality at this position in the gnomAD database. This sequence change replaces serine, which is neutral and polar, with leucine, which is neutral and non-polar, at codon 8290 of the NEB protein (p.Ser8290Leu).